The following is an entry in ClinVar:

NM_013432.5(TONSL):c.706_725dup (p.Ser242fs)

Gene: TONSL (tonsoku like, DNA repair protein; minus strand). Cytogenetic location: 8q24.3.
Variant type: Duplication.
Coding change: c.706_725dup on transcript NM_013432.5 (MANE Select); coding-DNA positions 706 to 725, 20 bases duplicated (AGGAAGCGGTTCATGGAGAG).
Protein change: p.Ser242fs; shifts the reading frame from serine 242.
Molecular consequence: frameshift variant.
Genome position (GRCh38, 1-based): chr8:144,442,266-144,442,285, CTCTCCATGAACCGCTTCCT duplicated on the plus strand (AGGAAGCGGTTCATGGAGAG on the coding strand, the reverse complement: TONSL is on the minus strand); duplicating any 20 consecutive bases within chr8:144,442,266-144,442,286 gives the same sequence; the c. name uses the placement nearest the transcript's 3' end. VCF-style (leftmost placement, unchanged base first): chr8-144442265-G-GCTCTCCATGAACCGCTTCCT. GRCh37 (hg19) VCF-style: chr8-145667648-G-GCTCTCCATGAACCGCTTCCT.
Other names: short protein forms S242fs.
Identifiers: ClinVar variation 1455823 (VCV001455823.6), dbSNP rs2129693896, ClinGen allele CA2573143035.
Genomic context (GRCh38, chr8:144,442,265, plus strand): 5'-CGAGAGCCTGAGCTCGGAGCCACGCACAGCGGGTACCTGTGCAATAACCACGCAGCACTC[G>GCTCTCCATGAACCGCTTCCT]CTCTCCATGAACCGCTTCCTCATGGTGTGCGCACACTCCCGGGCACCCTCCAAGCAGCGC-3'

ClinVar aggregate classification (germline): Pathogenic (1 of 4 stars; one submission).

Submission:

Labcorp Genetics (formerly Invitae), Labcorp
Classification: Pathogenic. Last evaluated: 2021-02-20. Review status: criteria provided, single submitter. Criteria: Invitae Variant Classification Sherloc (09022015). Collection method: clinical testing. Allele origin: germline.
Comment: For these reasons, this variant has been classified as Pathogenic. This variant has not been reported in the literature in individuals with TONSL-related conditions. This variant is not present in population databases (ExAC no frequency). This sequence change creates a premature translational stop signal (p.Ser242Argfs*31) in the TONSL gene. It is expected to result in an absent or disrupted protein product. Loss-of-function variants in TONSL are known to be pathogenic (PMID: 30773277).

Literature cited by the submitters: PubMed 30773277.